The following is an entry in ClinVar:

ClinVar aggregate classification (germline): Pathogenic (1 of 4 stars; one submission).

Submission:

Labcorp Genetics (formerly Invitae), Labcorp
Classification: Pathogenic. Last evaluated: 2022-03-10. Review status: criteria provided, single submitter. Criteria: Invitae Variant Classification Sherloc (09022015). Collection method: clinical testing. Allele origin: germline.
Comment: For these reasons, this variant has been classified as Pathogenic. This variant has not been reported in the literature in individuals affected with COL4A3-related conditions. This variant is not present in population databases (gnomAD no frequency). This sequence change creates a premature translational stop signal (p.Leu175*) in the COL4A3 gene. It is expected to result in an absent or disrupted protein product. Loss-of-function variants in COL4A3 are known to be pathogenic (PMID: 8956999, 24854265, 26809805, 27281700).

Literature cited by the submitters: PubMed 8956999; PubMed 24854265; PubMed 26809805; PubMed 27281700.

NM_000091.5(COL4A3):c.524T>A (p.Leu175Ter)

Genes: COL4A3 (collagen type IV alpha 3 chain; plus strand), MFF-DT (MFF divergent transcript; minus strand). Cytogenetic location: 2q36.3.
Variant type: single nucleotide variant.
Coding change: c.524T>A on transcript NM_000091.5 (MANE Select); coding-DNA position 524, T replaced by A.
Protein change: p.Leu175Ter; replaces leucine 175 with a stop codon.
Molecular consequence: nonsense.
Genome position (GRCh38, 1-based): chr2:227,248,498, T>A. VCF-style: chr2-227248498-T-A. GRCh37 (hg19) VCF-style: chr2-228113214-T-A.
Other names: short protein forms L175*.
Identifiers: ClinVar variation 2105959 (VCV002105959.4), dbSNP rs2469524371, ClinGen allele CA350863603.
Genomic context (GRCh38, chr2:227,248,498, plus strand): 5'-TCAAGGGTGCTCCTGCTAAAGAAGAAGATATAGAACTTGATGCAAAAGGCGACCCCGGGT[T>A]GCCAGGGGCTCCAGGACCCCAGGTACAGCACTTCAGAGAAGGTCCCTATTATTCTCAGTT-3'